The following is an entry in ClinVar:

ClinVar aggregate classification (germline): Conflicting classifications of pathogenicity. Review status: criteria provided, conflicting classifications (1 of 4 stars). 5 submissions from 5 submitters: Uncertain significance (3); Likely benign (1). 1 of the submissions does not count toward it. Last evaluated 2026-09-14.

Conditions:
CEP290-related disorder. Also called: CEP290-related disorders; CEP290-related condition. Identifiers: MedGen CN239314.
Joubert syndrome. Also called: Familial aplasia of the vermis; JOUBERT-BOLTSHAUSER SYNDROME. Identifiers: Orphanet 475, MedGen C5979921, MONDO:0018772.
Meckel-Gruber syndrome. Also called: Dysencephalia splachnocystica; DYSENCEPHALIA SPLANCHNOCYSTICA; GRUBER SYNDROME. Identifiers: Orphanet 564, MedGen C0265215, MONDO:0018921.
Nephronophthisis. Also called: Juvenile Nephronophthisis. Identifiers: Orphanet 655, MedGen C0687120, MONDO:0019005, HP:0000090.
Retinal dystrophy. Also called: Inherited retinal dystrophy. Identifiers: Orphanet 71862, MedGen C0854723, MeSH D058499, MONDO:0019118, HP:0000556.
Joubert syndrome 5 (JBTS5). Identifiers: Orphanet 2318, MedGen C1857780, MONDO:0012432, OMIM 610188.
Leber congenital amaurosis 10 (LCA10). Identifiers: Orphanet 65, MedGen C1857821, MONDO:0012723, OMIM 611755.
Bardet-Biedl syndrome 14 (BBS14). Identifiers: Orphanet 110, MedGen C2673874, MONDO:0014442, OMIM 615991.
Meckel syndrome, type 4 (MKS4). Also called: MECKEL-GRUBER SYNDROME, TYPE 4. Identifiers: Orphanet 564, MedGen C1970161, MONDO:0012626, OMIM 611134.
Senior-Loken syndrome 6 (SLSN6). Identifiers: Orphanet 3156, MedGen C1857779, MONDO:0012433, OMIM 610189.
Inborn genetic diseases. Identifiers: MedGen C0950123, MeSH D030342.

Allele frequency attached by ClinVar (database versions not stated): gnomAD exomes 0.00001; gnomAD 0.00002; TOPMed 0.00005.
gnomAD v4.1: 11 of 1,604,074 alleles (0.00069%); highest among the groups gnomAD compares: African/African-American, 0.0054%; no homozygotes.

Submissions (5):

PreventionGenetics, part of Exact Sciences
Classification: Uncertain significance for CEP290-related condition. Last evaluated: 2026-09-14. Review status: criteria provided, single submitter. Criteria: ACMG Guidelines, 2015. Collection method: clinical testing. Allele origin: germline.
Comment: The CEP290 c.2597A>G variant is predicted to result in the amino acid substitution p.Asn866Ser. To our knowledge, this variant has not been reported in the literature. This variant is reported in 0.0086% of alleles in individuals of African descent in gnomAD. At this time, the clinical significance of this variant is uncertain due to the absence of conclusive functional and genetic evidence.

Ambry Genetics
Classification: Likely benign for Inborn genetic diseases. Last evaluated: 2025-11-19. Review status: criteria provided, single submitter. Criteria: Ambry Variant Classification Scheme 2023. Collection method: clinical testing. Allele origin: germline.

Labcorp Genetics (formerly Invitae), Labcorp
Classification: Uncertain significance for Joubert syndrome; Meckel-Gruber syndrome; Nephronophthisis. Last evaluated: 2024-03-23. Review status: criteria provided, single submitter. Criteria: Invitae Variant Classification Sherloc (09022015). Collection method: clinical testing. Allele origin: germline.
Comment: This sequence change replaces asparagine, which is neutral and polar, with serine, which is neutral and polar, at codon 866 of the CEP290 protein (p.Asn866Ser). This variant is present in population databases (no rsID available, gnomAD 0.009%). This variant has not been reported in the literature in individuals affected with CEP290-related conditions. ClinVar contains an entry for this variant (Variation ID: 2418517). Advanced modeling of protein sequence and biophysical properties (such as structural, functional, and spatial information, amino acid conservation, physicochemical variation, residue mobility, and thermodynamic stability) performed at Invitae indicates that this missense variant is not expected to disrupt CEP290 protein function with a negative predictive value of 80%. In summary, the available evidence is currently insufficient to determine the role of this variant in disease. Therefore, it has been classified as a Variant of Uncertain Significance.

Fulgent Genetics
Classification: Uncertain significance for Joubert syndrome 5; Senior-Loken syndrome 6; Meckel syndrome, type 4; Leber congenital amaurosis 10; Bardet-Biedl syndrome 14. Last evaluated: 2024-01-05. Review status: criteria provided, single submitter. Criteria: ACMG Guidelines, 2015. Collection method: clinical testing. Allele origin: germline.

Institute of Human Genetics, Univ. Regensburg, Univ. Regensburg
Classification: Uncertain significance for Retinal dystrophy. Last evaluated: 2023-01-01. Review status: no assertion criteria provided. Criteria: ACMG Guidelines, 2015. Collection method: clinical testing. Allele origin: germline. Affected: yes. Not counted in ClinVar's aggregate classification.

NM_025114.4(CEP290):c.2597A>G (p.Asn866Ser)

Gene: CEP290 (centrosomal protein 290; minus strand). Cytogenetic location: 12q21.32.
Variant type: single nucleotide variant.
Coding change: c.2597A>G on transcript NM_025114.4 (MANE Select); coding-DNA position 2597, A replaced by G.
Protein change: p.Asn866Ser; replaces asparagine 866 with serine.
Molecular consequence: missense variant.
Genome position (GRCh38, 1-based): chr12:88,106,895, T>C on the plus strand (A>G on the coding strand, the complement: CEP290 is on the minus strand). VCF-style: chr12-88106895-T-C. GRCh37 (hg19) VCF-style: chr12-88500672-T-C.
Other names: c.2597A>G (NM_025114.3); short protein forms N866S.
Identifiers: ClinVar variation 2418517 (VCV002418517.7), dbSNP rs934685879, ClinGen allele CA241149017.